The following is an entry in ClinVar:

ClinVar aggregate classification (germline): Likely pathogenic (1 of 4 stars; one submission).

Conditions:
Ehlers-Danlos syndrome due to tenascin-X deficiency (EDSCLL1). Also called: TNX DEFICIENCY; EDS DUE TO TNX DEFICIENCY; EHLERS-DANLOS SYNDROME, CLASSIC-LIKE; Ehlers-Danlos syndrome, classic-like, 1; TNXB-Related Classical-Like Ehlers-Danlos Syndrome. Identifiers: Orphanet 230839, MedGen C1848029, MONDO:0011670, OMIM 606408.

Submission:

Women's Health and Genetics/Laboratory Corporation of America, LabCorp
Classification: Likely pathogenic for Ehlers-Danlos syndrome due to tenascin-X deficiency. Last evaluated: 2025-09-08. Review status: criteria provided, single submitter. Criteria: LabCorp Variant Classification Summary - May 2015. Collection method: clinical testing. Allele origin: germline.
Comment: Variant summary: The variant involves the full deletion of exon 12 and a part of exon 13 in the TNXB gene. A presumed nomenclature of c.(4375+1_4376-1)_4745del has been designated for the purposes of this classification. This CNV spans a canonical splice-site and therefore predicted to result in loss-of-function. The variant was absent in 462841 control chromosomes in the gnomAD database (CNVs v4.0 dataset). However, the TNXB gene is known to be located in a region affected by copy number variability and pseudogene interference, therefore the gnomAD frequency data for copy number variants in this region might not be reliable. To our knowledge, no occurrence of c.(4375+1_4376-1)_4745del in individuals affected with TNXB-related conditions and no experimental evidence demonstrating its impact on protein function have been reported. No submitters have cited clinical-significance assessments for this variant to ClinVar. Based on the evidence outlined above, the variant was classified as likely pathogenic.

NC_000006.11:g.32040012_(32041730_32046809)del

Gene: TNXB (tenascin XB; minus strand).
Variant type: Deletion.
Identifiers: ClinVar variation 4535681 (VCV004535681.1).